The following is an entry in ClinVar:

NM_000743.5(CHRNA3):c.643_645delinsCAT (p.Tyr215His)

Gene: CHRNA3 (cholinergic receptor nicotinic alpha 3 subunit; minus strand). Cytogenetic location: 15q25.1.
Variant type: Indel.
Coding change: c.643_645delinsCAT on transcript NM_000743.5 (MANE Select); coding-DNA positions 643 to 645, TAC replaced by CAT.
Protein change: p.Tyr215His; replaces tyrosine 215 with histidine.
Molecular consequence: missense variant. On other transcripts: non-coding transcript variant (1).
Genome position (GRCh38, 1-based): chr15:78,601,997-78,601,999, GTA replaced by ATG on the plus strand (TAC replaced by CAT on the coding strand, the reverse complement: CHRNA3 is on the minus strand). VCF-style: chr15-78601997-GTA-ATG. GRCh37 (hg19) VCF-style: chr15-78894339-GTA-ATG.
Other names: c.643_645delinsCAT, p.Tyr215His (NM_001166694.2); short protein forms Y215H.
Identifiers: ClinVar variation 5000543 (VCV005000543.1).
Genomic context (GRCh38, chr15:78,601,997, plus strand): 5'-CAGCGAGTATGTGATGTCGGGGTAGATCTCCTCGCAGCAGTTGTACTTGATGTCGTGTTT[GTA>ATG]GCCTGGGGCTTTGATGATGGCCCACTCGCCGCTCTCCCAATAGTCCTTGAGGTTCATGGA-3'
Protein context (NP_000734.2, residues 205-225): GEWAIIKAPG[Tyr215His]KHDIKYNCCE

ClinVar aggregate classification (germline): Uncertain significance (1 of 4 stars; one submission).

Conditions:
CHRNA3-related disorder. Also called: CHRNA3-related condition.

Submission:

PreventionGenetics, part of Exact Sciences
Classification: Uncertain significance for CHRNA3-related condition. Last evaluated: 2025-07-15. Review status: criteria provided, single submitter. Criteria: ACMG Guidelines, 2015. Collection method: clinical testing. Allele origin: germline.
Comment: The CHRNA3 c.643_645delinsCAT variant is predicted to result in an in-frame deletion and insertion. To our knowledge, this variant has not been reported in the literature or in a large population database (gnomAD), indicating this variant is rare. At this time, the clinical significance of this variant is uncertain due to the absence of conclusive functional and genetic evidence.